The following is an entry in ClinVar:

NM_032551.5(KISS1R):c.-4G>A

Gene: KISS1R (KISS1 receptor; plus strand). Cytogenetic location: 19p13.3.
Variant type: single nucleotide variant.
Coding change: c.-4G>A on transcript NM_032551.5 (MANE Select); 4 bases upstream of the start codon, G replaced by A.
Molecular consequence: 5 prime UTR variant.
Genome position (GRCh38, 1-based): chr19:917,499, G>A. VCF-style: chr19-917499-G-A. GRCh37 (hg19) VCF-style: chr19-917499-G-A.
Identifiers: ClinVar variation 3036220 (VCV003036220.2), dbSNP rs2037065549, ClinGen allele CA2317406461.

ClinVar aggregate classification (germline): Likely benign (0 of 4 stars; one submission).

Conditions:
KISS1R-related disorder. Also called: KISS1R-related condition.

Allele frequency attached by ClinVar (database versions not stated): TOPMed below 0.00001.
gnomAD v4.1: 2 of 1,458,640 alleles (0.00014%); highest among the groups gnomAD compares: South Asian, 0.0027%; no homozygotes.

Submission:

PreventionGenetics, part of Exact Sciences
Classification: Likely benign for KISS1R-related condition. Last evaluated: 2023-03-10. Review status: no assertion criteria provided. Collection method: clinical testing. Allele origin: germline.
Comment: This variant is classified as likely benign based on ACMG/AMP sequence variant interpretation guidelines (Richards et al. 2015 PMID: 25741868, with internal and published modifications).